The following is an entry in ClinVar:

ClinVar aggregate classification (germline): Pathogenic/Likely pathogenic. Review status: criteria provided, multiple submitters, no conflicts (2 of 4 stars). 4 submissions from 4 submitters: Pathogenic (1); Likely pathogenic (2). 1 of the submissions does not count toward it. Last evaluated 2025-10-29.

Conditions:
Polycystic liver disease 2 (PCLD2). Also called: Polycystic liver disease 2 with or without kidney cysts. Identifiers: Orphanet 2924, MedGen C4310769, MONDO:0014860, OMIM 617004.
SEC63-related disorder. Also called: SEC63-related condition.
Polycystic liver disease 1 (PCLD1). Also called: Polycystic liver disease 1 with or without kidney cysts. Identifiers: Orphanet 2924, MedGen C0887850, MONDO:0008265, OMIM 174050.

Allele frequency attached by ClinVar (database versions not stated): gnomAD 0.00001; gnomAD exomes 0.00001; TOPMed 0.00001.
gnomAD v4.1: 9 of 1,570,388 alleles (0.00057%); highest among the groups gnomAD compares: East Asian, 0.0022%; no homozygotes.

Submissions (4):

GeneDx
Classification: Likely pathogenic. Last evaluated: 2025-10-29. Review status: criteria provided, single submitter. Criteria: GeneDx Variant Classification Process June 2021. Collection method: clinical testing. Allele origin: germline. Affected: yes.
Comment: Canonical splice site variant predicted to result in a null allele in a gene for which loss of function is a known mechanism of disease; This variant is associated with the following publications: (PMID: 28375157)

Fulgent Genetics
Classification: Likely pathogenic for Polycystic liver disease 2. Last evaluated: 2024-04-27. Review status: criteria provided, single submitter. Criteria: ACMG Guidelines, 2015. Collection method: clinical testing. Allele origin: germline.

Blueprint Genetics
Classification: Pathogenic for SEC63-related disorders. Last evaluated: 2023-08-17. Review status: criteria provided, single submitter. Criteria: ACMG Guidelines, 2015. Collection method: clinical testing. Allele origin: germline. Affected: yes. Observed: 3 variant alleles.

Laboratory of Gastroenterology and Hepatology, Radboud University Medical Center
Classification: Pathogenic for Polycystic liver disease 1. Review status: no assertion criteria provided. Collection method: research. Allele origin: germline. Inheritance: Autosomal dominant inheritance. Affected: yes. Observed: 1 variant allele, 1 heterozygote. Not counted in ClinVar's aggregate classification.

NM_007214.5(SEC63):c.452+1G>A

Gene: SEC63 (SEC63 protein translocation regulator; minus strand). Cytogenetic location: 6q21.
Variant type: single nucleotide variant.
Coding change: c.452+1G>A on transcript NM_007214.5 (MANE Select); the canonical splice donor site of the intron after coding-DNA position 452, G replaced by A.
Molecular consequence: splice donor variant.
Genome position (GRCh38, 1-based): chr6:107,921,796, C>T on the plus strand (G>A on the coding strand, the complement: SEC63 is on the minus strand). VCF-style: chr6-107921796-C-T. GRCh37 (hg19) VCF-style: chr6-108243000-C-T.
Identifiers: ClinVar variation 225118 (VCV000225118.10), dbSNP rs869312977, ClinGen allele CA357223.